The following is an entry in ClinVar:

ClinVar aggregate classification (germline): Uncertain significance (1 of 4 stars; one submission).

Conditions:
Cardiovascular phenotype. Identifiers: MedGen CN230736.

gnomAD v4.1: 2 of 1,541,572 alleles (0.00013%); highest among the groups gnomAD compares: Middle Eastern, 0.018%; no homozygotes.

Submission:

Ambry Genetics
Classification: Uncertain significance for Cardiovascular phenotype. Last evaluated: 2025-07-09. Review status: criteria provided, single submitter. Criteria: Ambry Variant Classification Scheme 2023. Collection method: clinical testing. Allele origin: germline.
Comment: The p.P11L variant (also known as c.32C>T), located in coding exon 1 of the LMF1 gene, results from a C to T substitution at nucleotide position 32. The proline at codon 11 is replaced by leucine, an amino acid with similar properties. This amino acid position is conserved. In addition, this alteration is predicted to be tolerated by in silico analysis. Based on the available evidence, the clinical significance of this variant remains unclear.

NM_022773.4(LMF1):c.32C>T (p.Pro11Leu)

Genes: LMF1 (lipase maturation factor 1; minus strand), LOC130058141 (ATAC-STARR-seq lymphoblastoid silent region 6962; plus strand). Cytogenetic location: 16p13.3.
Variant type: single nucleotide variant.
Coding change: c.32C>T on transcript NM_022773.4 (MANE Select); coding-DNA position 32, C replaced by T.
Protein change: p.Pro11Leu; replaces proline 11 with leucine.
Molecular consequence: missense variant. On other transcripts: 5 prime UTR variant (1), non-coding transcript variant (1), intron variant (3).
Genome position (GRCh38, 1-based): chr16:970,949, G>A on the plus strand (C>T on the coding strand, the complement: LMF1 is on the minus strand). VCF-style: chr16-970949-G-A. GRCh37 (hg19) VCF-style: chr16-1020949-G-A.
Other names: c.32C>T, p.Pro11Leu (NM_001352020.1); c.-674C>T (NM_001352021.2); c.-135+10196C>T (NM_001352019.2); c.-611+10196C>T (NM_001352017.2); c.-362+10196C>T (NM_001352018.2); short protein forms P11L.
Identifiers: ClinVar variation 4098522 (VCV004098522.1).